The following is an entry in ClinVar:

NM_006218.4(PIK3CA):c.2784+5T>C

Gene: PIK3CA (phosphatidylinositol-4,5-bisphosphate 3-kinase catalytic subunit alpha; plus strand). Cytogenetic location: 3q26.32.
Variant type: single nucleotide variant.
Coding change: c.2784+5T>C on transcript NM_006218.4 (MANE Select); 5 bases into the intron after coding-DNA position 2784, T replaced by C.
Molecular consequence: intron variant.
Genome position (GRCh38, 1-based): chr3:179,230,126, T>C. VCF-style: chr3-179230126-T-C. GRCh37 (hg19) VCF-style: chr3-178947914-T-C.
Identifiers: ClinVar variation 2197055 (VCV002197055.4), dbSNP rs1725177811, ClinGen allele CA1056871074.

ClinVar aggregate classification (germline): Uncertain significance (1 of 4 stars; one submission).

Conditions:
Cowden syndrome (CS). Also called: Cowden's disease; Cowden's syndrome; Cowden disease. Identifiers: Orphanet 201, MedGen C0018553, MONDO:0016063. Disease mechanism: gain of function.

Allele frequency attached by ClinVar (database versions not stated): gnomAD exomes below 0.00001; gnomAD 0.00001.
gnomAD v4.1: 5 of 1,597,022 alleles (0.00031%); highest among the groups gnomAD compares: African/African-American, 0.0013%; no homozygotes.

Submission:

Labcorp Genetics (formerly Invitae), Labcorp
Classification: Uncertain significance for Cowden syndrome. Last evaluated: 2022-11-15. Review status: criteria provided, single submitter. Criteria: Invitae Variant Classification Sherloc (09022015). Collection method: clinical testing. Allele origin: germline.
Comment: This variant is not present in population databases (gnomAD no frequency). This sequence change falls in intron 19 of the PIK3CA gene. It does not directly change the encoded amino acid sequence of the PIK3CA protein. It affects a nucleotide within the consensus splice site. This variant has not been reported in the literature in individuals affected with PIK3CA-related conditions. Variants that disrupt the consensus splice site are a relatively common cause of aberrant splicing (PMID: 17576681, 9536098). Algorithms developed to predict the effect of sequence changes on RNA splicing suggest that this variant is not likely to affect RNA splicing. In summary, the available evidence is currently insufficient to determine the role of this variant in disease. Therefore, it has been classified as a Variant of Uncertain Significance.

Literature cited by the submitters: PubMed 17576681; PubMed 9536098.